The following is an entry in ClinVar:

NM_004082.5(DCTN1):c.793A>T (p.Met265Leu)

Gene: DCTN1 (dynactin subunit 1; minus strand). Cytogenetic location: 2p13.1.
Variant type: single nucleotide variant.
Coding change: c.793A>T on transcript NM_004082.5 (MANE Select); coding-DNA position 793, A replaced by T.
Protein change: p.Met265Leu; replaces methionine 265 with leucine.
Molecular consequence: missense variant. On other transcripts: non-coding transcript variant (1).
Genome position (GRCh38, 1-based): chr2:74,371,029, T>A on the plus strand (A>T on the coding strand, the complement: DCTN1 is on the minus strand). VCF-style: chr2-74371029-T-A. GRCh37 (hg19) VCF-style: chr2-74598156-T-A.
Other names: c.733A>T, p.Met245Leu (NM_001135040.3); c.391A>T, p.Met131Leu (NM_001135041.3, NM_023019.4); c.682A>T, p.Met228Leu (NM_001190836.2); c.772A>T, p.Met258Leu (NM_001190837.2); c.742A>T, p.Met248Leu (NM_001378991.1); c.724A>T, p.Met242Leu (NM_001378992.1); short protein forms M242L, M248L, M245L, M228L, M258L, M131L, M265L.
Identifiers: ClinVar variation 1501076 (VCV001501076.8), dbSNP rs2103663572, ClinGen allele CA347366071.

ClinVar aggregate classification (germline): Uncertain significance (1 of 4 stars; one submission).

Conditions:
Amyotrophic lateral sclerosis type 1 (ALS1). Also called: AMYOTROPHIC LATERAL SCLEROSIS 1, FAMILIAL. Identifiers: Orphanet 803, MedGen C1862939, MONDO:0007103, OMIM 105400.
Perry syndrome. Also called: PARKINSONISM WITH ALVEOLAR HYPOVENTILATION AND MENTAL DEPRESSION. Identifiers: Orphanet 178509, MedGen C1868594, MONDO:0008201, OMIM 168605.
Neuronopathy, distal hereditary motor, type 7B. Also called: Distal Hereditary Motor Neuronopathy Type 7B (dHMN7B); NEURONOPATHY, DISTAL HEREDITARY MOTOR, AUTOSOMAL DOMINANT 14; NEURONOPATHY, DISTAL HEREDITARY MOTOR, HARDING TYPE VIIB; NEUROPATHY, DISTAL HEREDITARY MOTOR, HARDING TYPE VIIB; NEUROPATHY, DISTAL HEREDITARY MOTOR, WITH VOCAL CORD PARALYSIS, HARDING TYPE VIIB; HMN VIIB. Identifiers: Orphanet 139589, MedGen C1843315, MONDO:0011879, OMIM 607641.

Submission:

Labcorp Genetics (formerly Invitae), Labcorp
Classification: Uncertain significance for Amyotrophic lateral sclerosis type 1; Neuronopathy, distal hereditary motor, type 7B; Perry syndrome. Last evaluated: 2021-01-08. Review status: criteria provided, single submitter. Criteria: Invitae Variant Classification Sherloc (09022015). Collection method: clinical testing. Allele origin: germline.
Comment: This sequence change replaces methionine with leucine at codon 265 of the DCTN1 protein (p.Met265Leu). The methionine residue is highly conserved and there is a small physicochemical difference between methionine and leucine. This variant is not present in population databases (ExAC no frequency). This variant has not been reported in the literature in individuals with DCTN1-related conditions. Algorithms developed to predict the effect of missense changes on protein structure and function are either unavailable or do not agree on the potential impact of this missense change (SIFT: "Deleterious"; PolyPhen-2: "Benign"; Align-GVGD: "Class C0"). In summary, the available evidence is currently insufficient to determine the role of this variant in disease. Therefore, it has been classified as a Variant of Uncertain Significance.